The following is an entry in ClinVar:

ClinVar aggregate classification (germline): Likely pathogenic. Review status: criteria provided, multiple submitters, no conflicts (2 of 4 stars). 2 submissions from 2 submitters: Likely pathogenic (2). Last evaluated 2025-06-12.

Conditions:
Autosomal recessive hypophosphatemic bone disease (HHRH). Also called: Hypophosphatemic rickets with hypercalciuria; HYPERCALCIURIC RICKETS. Identifiers: Orphanet 157215, MedGen C1853271, MONDO:0009431, OMIM 241530.

Allele frequency attached by ClinVar (database versions not stated): ExAC 0.00001; gnomAD exomes 0.00001.
gnomAD v4.1: 5 of 1,612,344 alleles (0.00031%); highest among the groups gnomAD compares: Admixed American, 0.0033%; no homozygotes.

Submissions (2):

Labcorp Genetics (formerly Invitae), Labcorp
Classification: Likely pathogenic. Last evaluated: 2025-06-12. Review status: criteria provided, single submitter. Criteria: Invitae Variant Classification Sherloc (09022015). Collection method: clinical testing. Allele origin: germline.
Comment: This sequence change affects a donor splice site in intron 8 of the SLC34A3 gene. It is expected to disrupt RNA splicing. Variants that disrupt the donor or acceptor splice site typically lead to a loss of protein function (PMID: 16199547), and loss-of-function variants in SLC34A3 are known to be pathogenic (PMID: 16358214, 16358215, 22159077). This variant is present in population databases (rs754054340, gnomAD 0.003%). This variant has not been reported in the literature in individuals affected with SLC34A3-related conditions. ClinVar contains an entry for this variant (Variation ID: 1066069). Algorithms developed to predict the effect of sequence changes on RNA splicing suggest that this variant may disrupt the consensus splice site. In summary, the currently available evidence indicates that the variant is pathogenic, but additional data are needed to prove that conclusively. Therefore, this variant has been classified as Likely Pathogenic.

Fulgent Genetics
Classification: Likely pathogenic for Autosomal recessive hypophosphatemic bone disease. Last evaluated: 2021-10-22. Review status: criteria provided, single submitter. Criteria: ACMG Guidelines, 2015. Collection method: clinical testing. Allele origin: unknown.

Literature cited by the submitters: PubMed 16199547 (cited by Labcorp Genetics (formerly Invitae), Labcorp); PubMed 16358214 (cited by Labcorp Genetics (formerly Invitae), Labcorp); PubMed 16358215 (cited by Labcorp Genetics (formerly Invitae), Labcorp); PubMed 22159077 (cited by Labcorp Genetics (formerly Invitae), Labcorp).

NM_001177316.2(SLC34A3):c.846+1G>A

Gene: SLC34A3 (solute carrier family 34 member 3; plus strand). Cytogenetic location: 9q34.3.
Variant type: single nucleotide variant.
Coding change: c.846+1G>A on transcript NM_001177316.2 (MANE Select); the canonical splice donor site of the intron after coding-DNA position 846, G replaced by A.
Molecular consequence: splice donor variant.
Genome position (GRCh38, 1-based): chr9:137,233,723, G>A. VCF-style: chr9-137233723-G-A. GRCh37 (hg19) VCF-style: chr9-140128175-G-A.
Other names: c.846+1G>A (NM_001177317.2, NM_080877.3).
Identifiers: ClinVar variation 1066069 (VCV001066069.8), dbSNP rs754054340, ClinGen allele CA5364615.